The following is an entry in ClinVar:

ClinVar aggregate classification (germline): Benign/Likely benign. Review status: criteria provided, multiple submitters, no conflicts (2 of 4 stars). 9 submissions from 9 submitters: Benign (3); Likely benign (5). 1 of the submissions does not count toward it. Last evaluated 2026-01-28.

Conditions:
Hereditary cancer-predisposing syndrome. Also called: Tumor predisposition; Hereditary neoplastic syndrome; Neoplastic Syndromes, Hereditary; Hereditary Cancer Syndrome. Identifiers: Orphanet 140162, MedGen C0027672, MeSH D009386, MONDO:0015356.
Neuroblastoma, susceptibility to, 3. Also called: ALK-Related Neuroblastic Tumor Susceptibility. Identifiers: Orphanet 635, MedGen C2751681, MONDO:0013083, OMIM 613014.

Allele frequency attached by ClinVar (database versions not stated): gnomAD exomes 0.00023 and 0.00056; ExAC 0.00069; gnomAD 0.00220 and 0.00232; TOPMed 0.00252; ESP Exome Variant Server 0.00300; 1000 Genomes Project 0.00319; 1000 Genomes Project 30x 0.00359.
gnomAD v4.1: 685 of 1,614,170 alleles (0.042%); highest among the groups gnomAD compares: African/African-American, 0.82%; 4 homozygotes.

Submissions (9):

Labcorp Genetics (formerly Invitae), Labcorp
Classification: Benign for Neuroblastoma, susceptibility to, 3. Last evaluated: 2026-01-28. Review status: criteria provided, single submitter. Criteria: Invitae Variant Classification Sherloc (09022015). Collection method: clinical testing. Allele origin: germline.

CeGaT Center for Human Genetics Tuebingen
Classification: Likely benign. Last evaluated: 2025-07-01. Review status: criteria provided, single submitter. Criteria: CeGaT Center For Human Genetics Tuebingen Variant Classification Criteria Version 2. Collection method: clinical testing. Allele origin: germline. Affected: yes. Observed: 2 variant alleles.
Comment: ALK: BP4, BS2

Women's Health and Genetics/Laboratory Corporation of America, LabCorp
Classification: Likely benign. Last evaluated: 2025-02-09. Review status: criteria provided, single submitter. Criteria: LabCorp Variant Classification Summary - May 2015. Collection method: clinical testing. Allele origin: germline.

KCCC/NGS Laboratory, Kuwait Cancer Control Center
Classification: Benign for Neuroblastoma, susceptibility to, 3. Last evaluated: 2023-07-07. Review status: criteria provided, single submitter. Criteria: ACMG Guidelines, 2015. Collection method: clinical testing. Allele origin: germline. Affected: yes.

GeneDx
Classification: Likely benign. Last evaluated: 2023-05-19. Review status: criteria provided, single submitter. Criteria: GeneDx Variant Classification Process June 2021. Collection method: clinical testing. Allele origin: germline. Affected: yes.
Comment: See Variant Classification Assertion Criteria.

ARUP Laboratories, Molecular Genetics and Genomics, ARUP Laboratories
Classification: Likely benign for Neuroblastoma, susceptibility to, 3. Last evaluated: 2021-07-30. Review status: criteria provided, single submitter. Criteria: ARUP Molecular Germline Variant Investigation Process 2021. Collection method: clinical testing. Allele origin: germline.

Sema4
Classification: Benign for Hereditary cancer-predisposing syndrome. Last evaluated: 2020-08-06. Review status: criteria provided, single submitter. Criteria: Sema4 Curation Guidelines. Collection method: curation. Allele origin: germline.

Ambry Genetics
Classification: Likely benign for Hereditary cancer-predisposing syndrome. Last evaluated: 2018-10-29. Review status: criteria provided, single submitter. Criteria: Ambry Variant Classification Scheme 2023. Collection method: clinical testing. Allele origin: germline.

ITMI
No classification provided. Condition: AllHighlyPenetrant. Last evaluated: 2013-09-19. Review status: no classification provided. Collection method: reference population. Allele origin: germline. Not counted in ClinVar's aggregate classification.
Comment: Please see associated publication for description of ethnicities

Literature cited by the submitters: PubMed 24728327 (cited by ITMI).

NM_004304.5(ALK):c.1943C>T (p.Thr648Ile)

Gene: ALK (ALK receptor tyrosine kinase; minus strand). Cytogenetic location: 2p23.2.
Variant type: single nucleotide variant.
Coding change: c.1943C>T on transcript NM_004304.5 (MANE Select); coding-DNA position 1943, C replaced by T.
Protein change: p.Thr648Ile; replaces threonine 648 with isoleucine.
Molecular consequence: missense variant.
Genome position (GRCh38, 1-based): chr2:29,275,197, G>A on the plus strand (C>T on the coding strand, the complement: ALK is on the minus strand). VCF-style: chr2-29275197-G-A. GRCh37 (hg19) VCF-style: chr2-29498063-G-A.
Other names: short protein forms T648I.
Identifiers: ClinVar variation 133461 (VCV000133461.40), dbSNP rs116202066, ClinGen allele CA156599.